The following is an entry in ClinVar:

NM_000313.4(PROS1):c.708del (p.Lys237fs)

Gene: PROS1 (protein S; minus strand). Cytogenetic location: 3q11.1.
Variant type: Deletion.
Coding change: c.708del on transcript NM_000313.4 (MANE Select); coding-DNA position 708, one base deleted (C; older notation c.708delC).
Protein change: p.Lys237fs; shifts the reading frame from lysine 237.
Molecular consequence: frameshift variant.
Genome position (GRCh38, 1-based): chr3:93,900,823, G deleted on the plus strand (C on the coding strand, the reverse complement: PROS1 is on the minus strand). VCF-style (leftmost placement, unchanged base first): chr3-93900822-TG-T. GRCh37 (hg19) VCF-style: chr3-93619666-TG-T.
Other names: c.804del, p.Lys269fs (NM_001314077.2); short protein forms K269fs, K237fs.
Identifiers: ClinVar variation 2828789 (VCV002828789.3), dbSNP rs2472135703, ClinGen allele CA2739279870.

ClinVar aggregate classification (germline): Pathogenic (1 of 4 stars; one submission).

Conditions:
Thrombophilia due to protein S deficiency, autosomal recessive (THPH6). Identifiers: Orphanet 743, MedGen C3281092, MONDO:0013791, OMIM 614514. Disease mechanism: loss of function.

Submission:

Labcorp Genetics (formerly Invitae), Labcorp
Classification: Pathogenic for Thrombophilia due to protein S deficiency, autosomal recessive. Last evaluated: 2023-01-15. Review status: criteria provided, single submitter. Criteria: Invitae Variant Classification Sherloc (09022015). Collection method: clinical testing. Allele origin: germline.
Comment: This sequence change creates a premature translational stop signal (p.Lys237Asnfs*8) in the PROS1 gene. It is expected to result in an absent or disrupted protein product. Loss-of-function variants in PROS1 are known to be pathogenic (PMID: 9241758). For these reasons, this variant has been classified as Pathogenic. This variant has not been reported in the literature in individuals affected with PROS1-related conditions. This variant is not present in population databases (gnomAD no frequency).

Literature cited by the submitters: PubMed 9241758.